The following is an entry in ClinVar:

NM_014974.3(DIP2C):c.4275G>T (p.Glu1425Asp)

Gene: DIP2C (DIP2 acetate--CoA ligase C (putative); minus strand). Cytogenetic location: 10p15.3.
Variant type: single nucleotide variant.
Coding change: c.4275G>T on transcript NM_014974.3 (MANE Select); coding-DNA position 4275, G replaced by T.
Protein change: p.Glu1425Asp; replaces glutamic acid 1425 with aspartic acid.
Molecular consequence: missense variant.
Genome position (GRCh38, 1-based): chr10:283,291, C>A on the plus strand (G>T on the coding strand, the complement: DIP2C is on the minus strand). VCF-style: chr10-283291-C-A. GRCh37 (hg19) VCF-style: chr10-329231-C-A.
Other names: c.4275G>T (NM_014974.2); short protein forms E1425D.
Identifiers: ClinVar variation 2052189 (VCV002052189.5), dbSNP rs573142305, ClinGen allele CA5379497.

ClinVar aggregate classification (germline): Uncertain significance. Review status: criteria provided, multiple submitters, no conflicts (2 of 4 stars). 2 submissions from 2 submitters: Uncertain significance (2). Last evaluated 2025-03-03.

Conditions:
Inborn genetic diseases. Identifiers: MedGen C0950123, MeSH D030342.

Allele frequency attached by ClinVar (database versions not stated): ExAC 0.00006; gnomAD 0.00010; 1000 Genomes Project 30x 0.00016; 1000 Genomes Project 0.00020.
gnomAD v4.1: 26 of 1,613,854 alleles (0.0016%); highest among the groups gnomAD compares: African/African-American, 0.032%; no homozygotes.

Submissions (2):

Labcorp Genetics (formerly Invitae), Labcorp
Classification: Uncertain significance. Last evaluated: 2025-03-03. Review status: criteria provided, single submitter. Criteria: Invitae Variant Classification Sherloc (09022015). Collection method: clinical testing. Allele origin: germline.
Comment: This sequence change replaces glutamic acid, which is acidic and polar, with aspartic acid, which is acidic and polar, at codon 1425 of the DIP2C protein (p.Glu1425Asp). This variant is present in population databases (rs573142305, gnomAD 0.04%). This variant has not been reported in the literature in individuals affected with DIP2C-related conditions. ClinVar contains an entry for this variant (Variation ID: 2052189). An algorithm developed to predict the effect of missense changes on protein structure and function (PolyPhen-2) suggests that this variant is likely to be disruptive. In summary, the available evidence is currently insufficient to determine the role of this variant in disease. Therefore, it has been classified as a Variant of Uncertain Significance.

Ambry Genetics
Classification: Uncertain significance for Inborn genetic diseases. Last evaluated: 2025-01-29. Review status: criteria provided, single submitter. Criteria: Ambry Variant Classification Scheme 2023. Collection method: clinical testing. Allele origin: germline.